The following is an entry in ClinVar:

ClinVar aggregate classification (germline): Uncertain significance. Review status: criteria provided, multiple submitters, no conflicts (2 of 4 stars). 2 submissions from 2 submitters: Uncertain significance (2). Last evaluated 2025-11-13.

Conditions:
Inborn genetic diseases. Identifiers: MedGen C0950123, MeSH D030342.
Congenital prothrombin deficiency. Also called: Hereditary factor II deficiency disease; Inherited hypoprothrombinemia; Congenital factor II deficiency; Inherited prothrombin deficiency; Factor II deficiency; HYPOPROTHROMBINEMIA. Identifiers: Orphanet 325, MedGen C0272317, MONDO:0013361, OMIM 613679.

Submissions (2):

Ambry Genetics
Classification: Uncertain significance for Inborn genetic diseases. Last evaluated: 2025-11-13. Review status: criteria provided, single submitter. Criteria: Ambry Variant Classification Scheme 2023. Collection method: clinical testing. Allele origin: germline.

Labcorp Genetics (formerly Invitae), Labcorp
Classification: Uncertain significance for Congenital prothrombin deficiency. Last evaluated: 2023-11-18. Review status: criteria provided, single submitter. Criteria: Invitae Variant Classification Sherloc (09022015). Collection method: clinical testing. Allele origin: germline.
Comment: This sequence change replaces proline, which is neutral and non-polar, with threonine, which is neutral and polar, at codon 471 of the F2 protein (p.Pro471Thr). This variant is present in population databases (no rsID available, gnomAD 0.003%). This variant has not been reported in the literature in individuals affected with F2-related conditions. ClinVar contains an entry for this variant (Variation ID: 2488062). Advanced modeling of protein sequence and biophysical properties (such as structural, functional, and spatial information, amino acid conservation, physicochemical variation, residue mobility, and thermodynamic stability) performed at Invitae indicates that this missense variant is expected to disrupt F2 protein function with a positive predictive value of 80%. In summary, the available evidence is currently insufficient to determine the role of this variant in disease. Therefore, it has been classified as a Variant of Uncertain Significance.

NM_000506.5(F2):c.1411C>A (p.Pro471Thr)

Gene: F2 (coagulation factor II, thrombin; plus strand). Cytogenetic location: 11p11.2.
Variant type: single nucleotide variant.
Coding change: c.1411C>A on transcript NM_000506.5 (MANE Select); coding-DNA position 1411, C replaced by A.
Protein change: p.Pro471Thr; replaces proline 471 with threonine.
Molecular consequence: missense variant.
Genome position (GRCh38, 1-based): chr11:46,728,776, C>A. VCF-style: chr11-46728776-C-A. GRCh37 (hg19) VCF-style: chr11-46750326-C-A.
Other names: short protein forms P471T.
Identifiers: ClinVar variation 2488062 (VCV002488062.6), dbSNP rs377462682, ClinGen allele CA380271013.